The following is an entry in ClinVar:

ClinVar aggregate classification (germline): Conflicting classifications of pathogenicity. Review status: criteria provided, conflicting classifications (1 of 4 stars). 4 submissions from 4 submitters: Uncertain significance (3); Benign (1). Last evaluated 2025-04-24.

Conditions:
Aortic valve disease 1 (AOVD1). Identifiers: MedGen C3887892, MONDO:0024523, OMIM 109730.
Adams-Oliver syndrome 5 (AOS5). Identifiers: Orphanet 974, MedGen C4014970, MONDO:0014459, OMIM 616028.
Familial thoracic aortic aneurysm and aortic dissection (TAAD). Also called: Thoracic aortic aneurysms and dissections. Identifiers: Orphanet 91387, MedGen C4707243, MONDO:0019625.

Allele frequency attached by ClinVar (database versions not stated): gnomAD 0.00001; ExAC 0.00002; gnomAD exomes 0.00002 and 0.00003; TOPMed 0.00002.
gnomAD v4.1: 53 of 1,612,802 alleles (0.0033%); highest among the groups gnomAD compares: Non-Finnish European, 0.0041%; no homozygotes.

Submissions (4):

GeneDx
Classification: Uncertain significance. Last evaluated: 2025-04-24. Review status: criteria provided, single submitter. Criteria: GeneDx Variant Classification Process June 2021. Collection method: clinical testing. Allele origin: germline. Affected: yes.
Comment: Not observed at significant frequency in large population cohorts (gnomAD); In silico analysis indicates that this missense variant does not alter protein structure/function; This variant is associated with the following publications: (PMID: 31624253)

Labcorp Genetics (formerly Invitae), Labcorp
Classification: Benign for Adams-Oliver syndrome 5. Last evaluated: 2025-03-16. Review status: criteria provided, single submitter. Criteria: Invitae Variant Classification Sherloc (09022015). Collection method: clinical testing. Allele origin: germline.

Ambry Genetics
Classification: Uncertain significance for Familial thoracic aortic aneurysm and aortic dissection. Last evaluated: 2024-03-16. Review status: criteria provided, single submitter. Criteria: Ambry Variant Classification Scheme 2023. Collection method: clinical testing. Allele origin: germline.
Comment: The p.R1211Q variant (also known as c.3632G>A), located in coding exon 22 of the NOTCH1 gene, results from a G to A substitution at nucleotide position 3632. The arginine at codon 1211 is replaced by glutamine, an amino acid with highly similar properties. This variant was detected in one individual from a congenital heart defect cohort (Watkins WS et al. Nat Commun, 2019 10;10:4722). A different variant affecting this codon (p.R1211W, c.3631C>T) has been reported in an individual with aortic dissection (Overwater E et al. Hum. Mutat., 2018 09;39:1173-1192). This amino acid position is highly conserved in available vertebrate species. In addition, the in silico prediction for this alteration is inconclusive. Since supporting evidence is limited at this time, the clinical significance of this alteration remains unclear.

Fulgent Genetics
Classification: Uncertain significance for Aortic valve disease 1; Adams-Oliver syndrome 5. Last evaluated: 2021-10-04. Review status: criteria provided, single submitter. Criteria: ACMG Guidelines, 2015. Collection method: clinical testing. Allele origin: unknown.

Literature cited by the submitters: PubMed 29907982 (cited by Ambry Genetics); PubMed 31624253 (cited by Ambry Genetics).

NM_017617.5(NOTCH1):c.3632G>A (p.Arg1211Gln)

Gene: NOTCH1 (notch receptor 1; minus strand). Cytogenetic location: 9q34.3.
Variant type: single nucleotide variant.
Coding change: c.3632G>A on transcript NM_017617.5 (MANE Select); coding-DNA position 3632, G replaced by A.
Protein change: p.Arg1211Gln; replaces arginine 1211 with glutamine.
Molecular consequence: missense variant.
Genome position (GRCh38, 1-based): chr9:136,507,316, C>T on the plus strand (G>A on the coding strand, the complement: NOTCH1 is on the minus strand). VCF-style: chr9-136507316-C-T. GRCh37 (hg19) VCF-style: chr9-139401768-C-T.
Other names: c.3632G>A, p.Arg1211Gln (LRG_1122t1); short protein forms R1211Q.
Identifiers: ClinVar variation 658477 (VCV000658477.17), dbSNP rs756362905, ClinGen allele CA5340866.
Genomic context (GRCh38, chr9:136,507,316, plus strand): 5'-GCCCTGGCCATGGATGGCCAACACCAGCCCTCCGTGCAGCGGCCCTTACCCTGAGTGCCC[C>T]GTGGGCAGGAGCACTTGTAGGTGTTGGGGAGGTCGAGGCAGGTGCCCCCGTTCTGGCAGG-3'
Protein context (NP_060087.3, residues 1201-1221): LPNTYKCSCP[Arg1211Gln]GTQGVHCEIN